The following is an entry in ClinVar:

ClinVar aggregate classification (germline): Uncertain significance (1 of 4 stars; one submission).

Submission:

CeGaT Center for Human Genetics Tuebingen
Classification: Uncertain significance. Last evaluated: 2024-02-01. Review status: criteria provided, single submitter. Criteria: CeGaT Center For Human Genetics Tuebingen Variant Classification Criteria Version 2. Collection method: clinical testing. Allele origin: germline. Affected: yes. Observed: 1 variant allele.
Comment: SETD5: PM2, BP1

NM_001080517.3(SETD5):c.4265T>A (p.Val1422Glu)

Gene: SETD5 (SET domain containing 5; plus strand). Cytogenetic location: 3p25.3.
Variant type: single nucleotide variant.
Coding change: c.4265T>A on transcript NM_001080517.3 (MANE Select); coding-DNA position 4265, T replaced by A.
Protein change: p.Val1422Glu; replaces valine 1422 with glutamic acid.
Molecular consequence: missense variant.
Genome position (GRCh38, 1-based): chr3:9,476,027, T>A. VCF-style: chr3-9476027-T-A. GRCh37 (hg19) VCF-style: chr3-9517711-T-A.
Other names: c.3971T>A, p.Val1324Glu (NM_001292043.2, NM_001349451.2); short protein forms V1324E, V1422E.
Identifiers: ClinVar variation 3027121 (VCV003027121.22), dbSNP rs755940553, ClinGen allele CA351695359.